The following is an entry in ClinVar:

ClinVar aggregate classification (germline): Benign (0 of 4 stars; one submission).

Conditions:
FAT3-related disorder. Also called: FAT3-related condition.

Allele frequency attached by ClinVar (database versions not stated): gnomAD exomes 0.00069; ExAC 0.00359; 1000 Genomes Project 30x 0.00609; 1000 Genomes Project 0.00639; gnomAD 0.00646; ESP Exome Variant Server 0.00667; TOPMed 0.00730.
gnomAD v4.1: 1,998 of 1,558,790 alleles (0.13%); highest among the groups gnomAD compares: African/African-American, 2.3%; 23 homozygotes.

Submission:

PreventionGenetics, part of Exact Sciences
Classification: Benign for FAT3-related condition. Last evaluated: 2019-11-06. Review status: no assertion criteria provided. Collection method: clinical testing. Allele origin: germline.
Comment: This variant is classified as benign based on ACMG/AMP sequence variant interpretation guidelines (Richards et al. 2015 PMID: 25741868, with internal and published modifications).

NM_001367949.2(FAT3):c.9837C>T (p.Asn3279=)

Gene: FAT3 (FAT atypical cadherin 3; plus strand). Cytogenetic location: 11q14.3.
Variant type: single nucleotide variant.
Coding change: c.9837C>T on transcript NM_001367949.2 (MANE Select); coding-DNA position 9837, C replaced by T.
Protein change: p.Asn3279=; no amino-acid change (asparagine 3279 retained).
Molecular consequence: synonymous variant.
Genome position (GRCh38, 1-based): chr11:92,831,977, C>T. VCF-style: chr11-92831977-C-T. GRCh37 (hg19) VCF-style: chr11-92565143-C-T.
Other names: c.9837C>T, p.Asn3279= (NM_001008781.3).
Identifiers: ClinVar variation 3034350 (VCV003034350.2), dbSNP rs114152693, ClinGen allele CA6227921.
Genomic context (GRCh38, chr11:92,831,977, plus strand): 5'-TGCCACCAGCAAAGATATTGGCACAAATGCTGAGATCACTTATCTCATCCGGTCTGGGAA[C>T]GAACAAGGGAAATTTAAGATCAACCCCAAGACAGGTGGGTAAATAGCACTGTACTTAGAA-3'
Protein context (NP_001354878.1, residues 3269-3289): AEITYLIRSG[Asn3279=]EQGKFKINPK